The following is an entry in ClinVar:

ClinVar aggregate classification (germline): Uncertain significance (1 of 4 stars; one submission).

Allele frequency attached by ClinVar (database versions not stated): ExAC 0.00006; TOPMed 0.00007; gnomAD exomes 0.00009; gnomAD 0.00010; 1000 Genomes Project 30x 0.00031; 1000 Genomes Project 0.00040.
gnomAD v4.1: 139 of 1,612,130 alleles (0.0086%); highest among the groups gnomAD compares: Middle Eastern, 0.12%; 1 homozygote.

Submission:

Labcorp Genetics (formerly Invitae), Labcorp
Classification: Uncertain significance. Last evaluated: 2025-09-15. Review status: criteria provided, single submitter. Criteria: Invitae Variant Classification Sherloc (09022015). Collection method: clinical testing. Allele origin: germline.
Comment: This sequence change falls in intron 13 of the PHF21A gene. It does not directly change the encoded amino acid sequence of the PHF21A protein. It affects a nucleotide within the consensus splice site. This variant is present in population databases (rs199788684, gnomAD 0.04%), and has an allele count higher than expected for a pathogenic variant. This variant has not been reported in the literature in individuals affected with PHF21A-related conditions. ClinVar contains an entry for this variant (Variation ID: 2139028). Variants that disrupt the consensus splice site are a relatively common cause of aberrant splicing (PMID: 17576681, 9536098). Algorithms developed to predict the effect of sequence changes on RNA splicing suggest that this variant is not likely to affect RNA splicing. In summary, the available evidence is currently insufficient to determine the role of this variant in disease. Therefore, it has been classified as a Variant of Uncertain Significance.

Literature cited by the submitters: PubMed 17576681; PubMed 9536098.

NM_001352027.3(PHF21A):c.1288+3G>A

Gene: PHF21A (PHD finger protein 21A; minus strand). Cytogenetic location: 11p11.2.
Variant type: single nucleotide variant.
Coding change: c.1288+3G>A on transcript NM_001352027.3 (MANE Select); 3 bases into the intron after coding-DNA position 1288, G replaced by A.
Molecular consequence: intron variant.
Genome position (GRCh38, 1-based): chr11:45,948,883, C>T on the plus strand (G>A on the coding strand, the complement: PHF21A is on the minus strand). VCF-style: chr11-45948883-C-T. GRCh37 (hg19) VCF-style: chr11-45970434-C-T.
Other names: c.1285+3G>A (NM_001352030.3, NM_001101802.3, NM_001352031.3 and 1 more transcripts); c.1288+3G>A (NM_001352026.3, NM_016621.5, NM_001352025.3 and 2 more transcripts).
Identifiers: ClinVar variation 2139028 (VCV002139028.4), dbSNP rs199788684, ClinGen allele CA5961155.